The following is an entry in ClinVar:

ClinVar aggregate classification (germline): Pathogenic (1 of 4 stars; one submission).

Conditions:
Ellis-van Creveld syndrome (EVC). Also called: MESOECTODERMAL DYSPLASIA; Chondroectodermal dysplasia. Identifiers: Orphanet 289, MedGen C0013903, MONDO:0009162, OMIM 225500.

Submission:

Myriad Genetics, Inc.
Classification: Pathogenic for Ellis-van Creveld syndrome. Last evaluated: 2023-09-27. Review status: criteria provided, single submitter. Criteria: Myriad Autosomal Dominant, Autosomal Recessive and X-Linked Classification Criteria (2023). Collection method: clinical testing. Allele origin: unknown.
Comment: NM_153717.2(EVC):c.2551dupG(V851Gfs*49) is expected to be pathogenic in the context of EVC-related Ellis-van Creveld syndrome. This variant is predicted to lead to an abnormal or absent protein product due to the creation of a premature termination codon in EVC, a gene where loss-of-function variants are known to be pathogenic. Please note: this variant was assessed in the context of healthy population screening.

NM_153717.3(EVC):c.2551dup (p.Val851fs)

Gene: EVC (EvC ciliary complex subunit 1; plus strand). Cytogenetic location: 4p16.2.
Variant type: Duplication.
Coding change: c.2551dup on transcript NM_153717.3 (MANE Select); coding-DNA position 2551, one base duplicated (G; older notation c.2551dupG).
Protein change: p.Val851fs; shifts the reading frame from valine 851.
Molecular consequence: frameshift variant.
Genome position (GRCh38, 1-based): chr4:5,804,831, G duplicated; the last of 2 consecutive G bases (chr4:5,804,830-5,804,831); duplicating either gives the same sequence. VCF-style (leftmost placement, unchanged base first): chr4-5804829-C-CG. GRCh37 (hg19) VCF-style: chr4-5806556-C-CG.
Other names: c.2551dup, p.Val851fs (NM_001306090.2); short protein forms V851fs.
Identifiers: ClinVar variation 5011983 (VCV005011983.1).